The following is an entry in ClinVar:

NM_001282933.2(ZNF341):c.2186A>G (p.His729Arg)

Genes: ZNF341 (zinc finger protein 341; plus strand), ZNF341-AS1 (ZNF341 antisense RNA 1; minus strand). Cytogenetic location: 20q11.22.
Variant type: single nucleotide variant.
Coding change: c.2186A>G on transcript NM_001282933.2 (MANE Select); coding-DNA position 2186, A replaced by G.
Protein change: p.His729Arg; replaces histidine 729 with arginine.
Molecular consequence: missense variant. On other transcripts: non-coding transcript variant (1).
Genome position (GRCh38, 1-based): chr20:33,791,138, A>G. VCF-style: chr20-33791138-A-G. GRCh37 (hg19) VCF-style: chr20-32378944-A-G.
Other names: c.1916A>G, p.His639Arg (NM_001282935.2); c.2165A>G, p.His722Arg (NM_032819.5); short protein forms H722R, H639R, H729R.
Identifiers: ClinVar variation 1522739 (VCV001522739.8), dbSNP rs774742055, ClinGen allele CA9819727.
Genomic context (GRCh38, chr20:33,791,138, plus strand): 5'-ACAAGTTCCGCTGTGCTGGCTGCGCCAAGGGCTTTTCCCGCCACAAATACCTCAAAGATC[A>G]CCGCTGTCGTCTCGGCCCCCAAAAGGACAAGGACCTGCAAACCCGGCGGCCCCCCCAGAG-3'
Protein context (NP_001269862.1, residues 719-739): GFSRHKYLKD[His729Arg]RCRLGPQKDK

ClinVar aggregate classification (germline): Uncertain significance (1 of 4 stars; one submission).

Allele frequency attached by ClinVar (database versions not stated): gnomAD exomes below 0.00001 and 0.00001; ExAC 0.00001; TOPMed 0.00002; gnomAD 0.00003 and 0.00004.
gnomAD v4.1: 12 of 1,613,096 alleles (0.00074%); highest among the groups gnomAD compares: Non-Finnish European, 0.001%; no homozygotes.

Submission:

Labcorp Genetics (formerly Invitae), Labcorp
Classification: Uncertain significance. Last evaluated: 2022-06-20. Review status: criteria provided, single submitter. Criteria: Invitae Variant Classification Sherloc (09022015). Collection method: clinical testing. Allele origin: germline.
Comment: In summary, the available evidence is currently insufficient to determine the role of this variant in disease. Therefore, it has been classified as a Variant of Uncertain Significance. Algorithms developed to predict the effect of missense changes on protein structure and function are either unavailable or do not agree on the potential impact of this missense change (SIFT: "Deleterious"; PolyPhen-2: "Probably Damaging"; Align-GVGD: "Class C0"). This variant has not been reported in the literature in individuals affected with ZNF341-related conditions. This variant is present in population databases (rs774742055, gnomAD 0.002%). This sequence change replaces histidine, which is basic and polar, with arginine, which is basic and polar, at codon 722 of the ZNF341 protein (p.His722Arg).